The following is an entry in ClinVar:

NM_005045.4(RELN):c.2702+299A>T

Gene: RELN (reelin; minus strand). Cytogenetic location: 7q22.1.
Variant type: single nucleotide variant.
Coding change: c.2702+299A>T on transcript NM_005045.4 (MANE Select); 299 bases into the intron after coding-DNA position 2702, A replaced by T.
Molecular consequence: intron variant.
Genome position (GRCh38, 1-based): chr7:103,629,641, T>A on the plus strand (A>T on the coding strand, the complement: RELN is on the minus strand). VCF-style: chr7-103629641-T-A. GRCh37 (hg19) VCF-style: chr7-103270088-T-A.
Other names: c.2702+299A>T (NM_173054.3).
Identifiers: ClinVar variation 668948 (VCV000668948.1), dbSNP rs3025965, ClinGen allele CA163921573.

ClinVar aggregate classification (germline): Benign (1 of 4 stars; one submission).

Allele frequency attached by ClinVar (database versions not stated): TOPMed 0.37404; gnomAD 0.38202 and 0.38420.
gnomAD v4.1: 57,805 of 150,204 alleles (38%); highest among the groups gnomAD compares: Non-Finnish European, 47%; 11,768 homozygotes.

Submission:

GeneDx
Classification: Benign. Last evaluated: 2018-06-19. Review status: criteria provided, single submitter. Criteria: GeneDx Variant Classification (06012015). Collection method: clinical testing. Allele origin: germline. Affected: yes.
Comment: This variant is considered likely benign or benign based on one or more of the following criteria: it is a conservative change, it occurs at a poorly conserved position in the protein, it is predicted to be benign by multiple in silico algorithms, and/or has population frequency not consistent with disease.